The following is an entry in ClinVar:

NM_002354.3(EPCAM):c.769C>G (p.Pro257Ala)

Gene: EPCAM (epithelial cell adhesion molecule; plus strand). Cytogenetic location: 2p21.
Variant type: single nucleotide variant.
Coding change: c.769C>G on transcript NM_002354.3 (MANE Select); coding-DNA position 769, C replaced by G.
Protein change: p.Pro257Ala; replaces proline 257 with alanine.
Molecular consequence: missense variant.
Genome position (GRCh38, 1-based): chr2:47,379,880, C>G. VCF-style: chr2-47379880-C-G. GRCh37 (hg19) VCF-style: chr2-47607019-C-G.
Other names: short protein forms P257A.
Identifiers: ClinVar variation 1760178 (VCV001760178.3), dbSNP rs975353107, ClinGen allele CA346724692.

ClinVar aggregate classification (germline): Uncertain significance (1 of 4 stars; one submission).

Conditions:
Hereditary cancer-predisposing syndrome. Also called: Neoplastic Syndromes, Hereditary; Tumor predisposition; Hereditary Cancer Syndrome; Hereditary neoplastic syndrome. Identifiers: Orphanet 140162, MedGen C0027672, MeSH D009386, MONDO:0015356.

Allele frequency attached by ClinVar (database versions not stated): gnomAD exomes below 0.00001.
gnomAD v4.1: 2 of 1,614,086 alleles (0.00012%); highest among the groups gnomAD compares: South Asian, 0.0011%; no homozygotes.

Submission:

Ambry Genetics
Classification: Uncertain significance for Hereditary cancer-predisposing syndrome. Last evaluated: 2025-12-03. Review status: criteria provided, single submitter. Criteria: Ambry Variant Classification Scheme 2023. Collection method: clinical testing. Allele origin: germline.
Comment: The p.P257A variant (also known as c.769C>G), located in coding exon 7 of the EPCAM gene, results from a C to G substitution at nucleotide position 769. The proline at codon 257 is replaced by alanine, an amino acid with highly similar properties. This amino acid position is conserved. In addition, the in silico prediction for this alteration is inconclusive. Since supporting evidence is limited at this time, the clinical significance of this alteration remains unclear.